The following is an entry in ClinVar:

ClinVar aggregate classification (germline): Benign/Likely benign. Review status: criteria provided, multiple submitters, no conflicts (2 of 4 stars). 2 submissions from 2 submitters: Benign (1); Likely benign (1). Last evaluated 2023-07-07.

Submissions (2):

Mayo Clinic Laboratories, Mayo Clinic
Classification: Benign. Last evaluated: 2023-07-07. Review status: criteria provided, single submitter. Criteria: ACMG Guidelines, 2015. Collection method: clinical testing. Allele origin: germline. Observed: 8 variant alleles.
Comment: BA1, BP4, BP7

GeneDx
Classification: Likely benign. Last evaluated: 2021-06-04. Review status: criteria provided, single submitter. Criteria: GeneDx Variant Classification Process June 2021. Collection method: clinical testing. Allele origin: germline. Affected: yes.
Comment: See Variant Classification Assertion Criteria.

NM_001278064.2(GRM1):c.950+8TC[13]

Gene: GRM1 (glutamate metabotropic receptor 1; plus strand). Cytogenetic location: 6q24.3.
Variant type: Microsatellite.
Coding change: c.950+8TC[13] on transcript NM_001278064.2 (MANE Select); 13 copies in a row of the 2-base unit TC starting at c.950+8; the reference has 19 copies in a row; six copies, 12 bases deleted.
Molecular consequence: intron variant.
Genome position (GRCh38, 1-based): chr6:146,159,631-146,159,642, TCTCTCTCTCTC deleted; deleting any 12 consecutive bases within chr6:146,159,605-146,159,642 gives the same sequence; the position shown is the placement nearest the transcript's 3' end. VCF-style (leftmost placement, unchanged base first): chr6-146159604-TTCTCTCTCTCTC-T. GRCh37 (hg19) VCF-style: chr6-146480740-TTCTCTCTCTCTC-T.
Other names: p.?; c.950+8TC[13] (NM_001278065.2, NM_001278066.1, NM_001278067.1); c.950+34_950+45del (NM_001278064.2).
Identifiers: ClinVar variation 2504509 (VCV002504509.2), dbSNP rs72225459, ClinGen allele CA4037146.